The following is an entry in ClinVar:

ClinVar aggregate classification (germline): Benign. Review status: criteria provided, single submitter (1 of 4 stars). 2 submissions from 2 submitters: Benign (1). 1 of the submissions does not count toward it. Last evaluated 2018-01-13.

Conditions:
Familial encephalopathy with neuroserpin inclusion bodies. Also called: ENCEPHALOPATHY, FAMILIAL, WITH COLLINS BODIES. Identifiers: Orphanet 85110, MedGen C1858680, MONDO:0011412, OMIM 604218.
SERPINI1-related disorder. Also called: SERPINI1-related condition.

Allele frequency attached by ClinVar (database versions not stated): gnomAD 0.00162; 1000 Genomes Project 0.00040; gnomAD exomes 0.00189; 1000 Genomes Project 30x 0.00031; TOPMed 0.00068.
gnomAD v4.1: 140 of 154,024 alleles (0.091%); highest among the groups gnomAD compares: Non-Finnish European, 0.14%; 1 homozygote.

Submissions (2):

Illumina Laboratory Services, Illumina
Classification: Benign for Familial encephalopathy with neuroserpin inclusion bodies. Last evaluated: 2018-01-13. Review status: criteria provided, single submitter. Criteria: ICSL Variant Classification Criteria 13 December 2019. Collection method: clinical testing. Allele origin: germline.
Comment: This variant was observed in the ICSL laboratory as part of a predisposition screen in an ostensibly healthy population. It had not been previously curated by ICSL or reported in the Human Gene Mutation Database (HGMD: prior to June 1st, 2018), and was therefore a candidate for classification through an automated scoring system. Utilizing variant allele frequency, disease prevalence and penetrance estimates, and inheritance mode, an automated score was calculated to assess if this variant is too frequent to cause the disease. Based on the score and internal cut-off values, a variant classified as benign is not then subjected to further curation. The score for this variant resulted in a classification of benign for this disease.

PreventionGenetics, part of Exact Sciences
Classification: Likely benign for SERPINI1-related condition. Last evaluated: 2021-04-23. Review status: no assertion criteria provided. Collection method: clinical testing. Allele origin: germline. Not counted in ClinVar's aggregate classification.
Comment: This variant is classified as likely benign based on ACMG/AMP sequence variant interpretation guidelines (Richards et al. 2015 PMID: 25741868, with internal and published modifications).

NC_000003.12:g.167734846C>G

Genes: PDCD10 (programmed cell death 10; minus strand), SERPINI1 (serpin family I member 1; plus strand), LOC129937857 (ATAC-STARR-seq lymphoblastoid active region 20771; plus strand). Cytogenetic location: 3q26.1.
Variant type: single nucleotide variant.
Molecular consequence: 5 prime UTR variant (on NM_007217.4).
Genome position: GRCh38 VCF-style: chr3-167734846-C-G. GRCh37 (hg19) VCF-style: chr3-167452634-C-G.
Other names: c.-289G>C (NM_001439202.1); c.-438G>C (NM_007217.4); c.-230G>C (NM_145859.2); c.-157G>C (NM_145860.2).
Identifiers: ClinVar variation 369413 (VCV000369413.10), dbSNP rs546722173, ClinGen allele CA10654658.